The following is an entry in ClinVar:

NM_001457.4(FLNB):c.6407C>T (p.Pro2136Leu)

Gene: FLNB (filamin B; plus strand). Cytogenetic location: 3p14.3.
Variant type: single nucleotide variant.
Coding change: c.6407C>T on transcript NM_001457.4 (MANE Select); coding-DNA position 6407, C replaced by T.
Protein change: p.Pro2136Leu; replaces proline 2136 with leucine.
Molecular consequence: missense variant.
Genome position (GRCh38, 1-based): chr3:58,153,414, C>T. VCF-style: chr3-58153414-C-T. GRCh37 (hg19) VCF-style: chr3-58139141-C-T.
Other names: c.6500C>T, p.Pro2167Leu (NM_001164317.2); c.6374C>T, p.Pro2125Leu (NM_001164318.2); c.6335C>T, p.Pro2112Leu (NM_001164319.2); c.6407C>T (NM_001457.3); short protein forms P2125L, P2112L, P2136L, P2167L.
Identifiers: ClinVar variation 1505658 (VCV001505658.7), dbSNP rs1278613736, ClinGen allele CA353359257.
Genomic context (GRCh38, chr3:58,153,414, plus strand): 5'-CAACCTCCCTCCCTCTTTCAGAAATCAACAGCAGTGATATGTCGGCCCACGTCACCAGCC[C>T]CTCTGGCCGTGTGACTGAGGCAGAGATTGTGCCCATGGGGAAGAACTCACACTGCGTCCG-3'
Protein context (NP_001448.2, residues 2126-2146): SSDMSAHVTS[Pro2136Leu]SGRVTEAEIV

ClinVar aggregate classification (germline): Uncertain significance. Review status: criteria provided, multiple submitters, no conflicts (2 of 4 stars). 2 submissions from 2 submitters: Uncertain significance (2). Last evaluated 2025-03-02.

Conditions:
Inborn genetic diseases. Identifiers: MedGen C0950123, MeSH D030342.

Allele frequency attached by ClinVar (database versions not stated): gnomAD exomes below 0.00001; gnomAD 0.00001; TOPMed 0.00002.
gnomAD v4.1: 3 of 1,614,132 alleles (0.00019%); highest among the groups gnomAD compares: Admixed American, 0.0033%; no homozygotes.

Submissions (2):

Labcorp Genetics (formerly Invitae), Labcorp
Classification: Uncertain significance. Last evaluated: 2025-03-02. Review status: criteria provided, single submitter. Criteria: Invitae Variant Classification Sherloc (09022015). Collection method: clinical testing. Allele origin: germline.
Comment: This sequence change replaces proline, which is neutral and non-polar, with leucine, which is neutral and non-polar, at codon 2136 of the FLNB protein (p.Pro2136Leu). This variant is present in population databases (no rsID available, gnomAD no frequency). This variant has not been reported in the literature in individuals affected with FLNB-related conditions. ClinVar contains an entry for this variant (Variation ID: 1505658). Invitae Evidence Modeling of protein sequence and biophysical properties (such as structural, functional, and spatial information, amino acid conservation, physicochemical variation, residue mobility, and thermodynamic stability) indicates that this missense variant is not expected to disrupt FLNB protein function with a negative predictive value of 80%. In summary, the available evidence is currently insufficient to determine the role of this variant in disease. Therefore, it has been classified as a Variant of Uncertain Significance.

Ambry Genetics
Classification: Uncertain significance for Inborn genetic diseases. Last evaluated: 2023-12-22. Review status: criteria provided, single submitter. Criteria: Ambry Variant Classification Scheme 2023. Collection method: clinical testing. Allele origin: germline.